The following is an entry in ClinVar:

NM_017882.3(CLN6):c.199-5C>T

Gene: CLN6 (CLN6 transmembrane ER protein; minus strand). Cytogenetic location: 15q23.
Variant type: single nucleotide variant.
Coding change: c.199-5C>T on transcript NM_017882.3 (MANE Select); 5 bases into the intron before coding-DNA position 199, C replaced by T.
Molecular consequence: intron variant.
Genome position (GRCh38, 1-based): chr15:68,214,393, G>A on the plus strand (C>T on the coding strand, the complement: CLN6 is on the minus strand). VCF-style: chr15-68214393-G-A. GRCh37 (hg19) VCF-style: chr15-68506731-G-A.
Identifiers: ClinVar variation 697351 (VCV000697351.58), dbSNP rs371705916, ClinGen allele CA7630670.

ClinVar aggregate classification (germline): Conflicting classifications of pathogenicity. Review status: criteria provided, conflicting classifications (1 of 4 stars). 7 submissions from 7 submitters: Uncertain significance (2); Likely benign (3). 2 of the submissions do not count toward it. Last evaluated 2026-01-14.

Conditions:
Inborn genetic diseases. Identifiers: MedGen C0950123, MeSH D030342.
Neuronal ceroid lipofuscinosis. Also called: Neuronal Ceroid Lipofuscinoses. Identifiers: Orphanet 216, Orphanet 79263, MedGen C0027877, MONDO:0016295. Disease mechanism: loss of function.

Allele frequency attached by ClinVar (database versions not stated): gnomAD exomes 0.00003 and 0.00006; ExAC 0.00004; gnomAD 0.00006; TOPMed 0.00006; ESP Exome Variant Server 0.00008.
gnomAD v4.1: 70 of 1,609,902 alleles (0.0043%); highest among the groups gnomAD compares: East Asian, 0.0067%; no homozygotes.

Submissions (7):

Labcorp Genetics (formerly Invitae), Labcorp
Classification: Likely benign for Neuronal ceroid lipofuscinosis. Last evaluated: 2026-01-14. Review status: criteria provided, single submitter. Criteria: Invitae Variant Classification Sherloc (09022015). Collection method: clinical testing. Allele origin: germline.

Blueprint Genetics
Classification: Likely benign. Last evaluated: 2024-05-24. Review status: criteria provided, single submitter. Criteria: ACMG Guidelines, 2015. Collection method: clinical testing. Allele origin: germline.

GeneDx
Classification: Likely benign. Last evaluated: 2021-07-28. Review status: criteria provided, single submitter. Criteria: GeneDx Variant Classification Process June 2021. Collection method: clinical testing. Allele origin: germline. Affected: yes.

Ambry Genetics
Classification: Uncertain significance for Inborn genetic diseases. Last evaluated: 2018-02-21. Review status: criteria provided, single submitter. Criteria: Ambry Variant Classification Scheme 2023. Collection method: clinical testing. Allele origin: germline.
Comment: The c.199-5C>T intronic variant results from a C to T substitution 5 nucleotides upstream from coding exon 3 in the CLN6 gene. This nucleotide position is not well conserved in available vertebrate species. Using the BDGP and ESEfinder splice site prediction tools, this alteration is not predicted to have any significant effect on this splice acceptor site; however, direct evidence is unavailable. Since supporting evidence is limited at this time, the clinical significance of this alteration remains unclear.

CeGaT Center for Human Genetics Tuebingen
Classification: Uncertain significance. Last evaluated: 2016-07-01. Review status: criteria provided, single submitter. Criteria: CeGaT Center For Human Genetics Tuebingen Variant Classification Criteria Version 2. Collection method: clinical testing. Allele origin: germline. Affected: yes. Observed: 1 variant allele.

Clinical Genetics DNA and cytogenetics Diagnostics Lab, Erasmus MC, Erasmus Medical Center
Classification: Likely benign. Review status: no assertion criteria provided. Collection method: clinical testing. Allele origin: germline. Affected: yes. Study: VKGL Data-share Consensus. Not counted in ClinVar's aggregate classification.

Diagnostic Laboratory, Department of Genetics, University Medical Center Groningen
Classification: Likely benign. Review status: no assertion criteria provided. Collection method: clinical testing. Allele origin: germline. Affected: yes. Study: VKGL Data-share Consensus. Not counted in ClinVar's aggregate classification.